The following is an entry in ClinVar:

ClinVar aggregate classification (germline): Uncertain significance (1 of 4 stars; one submission).

Conditions:
Hereditary cancer-predisposing syndrome. Also called: Tumor predisposition; Hereditary neoplastic syndrome; Hereditary Cancer Syndrome; Neoplastic Syndromes, Hereditary. Identifiers: Orphanet 140162, MedGen C0027672, MeSH D009386, MONDO:0015356.

gnomAD v4.1: 1 of 1,587,132 alleles (0.000063%); highest among the groups gnomAD compares: Non-Finnish European, 0.000086%; no homozygotes.

Submission:

Ambry Genetics
Classification: Uncertain significance for Hereditary cancer-predisposing syndrome. Last evaluated: 2025-03-28. Review status: criteria provided, single submitter. Criteria: Ambry Variant Classification Scheme 2023. Collection method: clinical testing. Allele origin: germline.
Comment: The p.V629I variant (also known as c.1885G>A), located in coding exon 15 of the POT1 gene, results from a G to A substitution at nucleotide position 1885. The valine at codon 629 is replaced by isoleucine, an amino acid with highly similar properties. This amino acid position is conserved. In addition, this alteration is predicted to be tolerated by in silico analysis. Based on the available evidence, the clinical significance of this variant remains unclear.

NM_015450.3(POT1):c.1885G>A (p.Val629Ile)

Gene: POT1 (protection of telomeres 1; minus strand). Cytogenetic location: 7q31.33.
Variant type: single nucleotide variant.
Coding change: c.1885G>A on transcript NM_015450.3 (MANE Select); coding-DNA position 1885, G replaced by A.
Protein change: p.Val629Ile; replaces valine 629 with isoleucine.
Molecular consequence: missense variant. On other transcripts: non-coding transcript variant (3).
Genome position (GRCh38, 1-based): chr7:124,823,982, C>T on the plus strand (G>A on the coding strand, the complement: POT1 is on the minus strand). VCF-style: chr7-124823982-C-T. GRCh37 (hg19) VCF-style: chr7-124464036-C-T.
Other names: c.1492G>A, p.Val498Ile (NM_001042594.2); short protein forms V629I, V498I.
Identifiers: ClinVar variation 3936277 (VCV003936277.1).
Genomic context (GRCh38, chr7:124,823,982, plus strand): 5'-GAGTGGCAACATTTTATGTATGCTAAATTGGATGGCAATATTAGATTACATCTTCTGCAA[C>T]TGTGGTGTCAAAAATCTGATAGCAAATTTGATTATCTGTTCCATTTGTGACATTGTATGA-3'
Protein context (NP_056265.2, residues 619-634): QICYQIFDTT[Val629Ile]AEDVI